The following is an entry in ClinVar:

NM_000041.4(APOE):c.683G>A (p.Trp228Ter)

Gene: APOE (apolipoprotein E; plus strand). Cytogenetic location: 19q13.32.
Variant type: single nucleotide variant.
Coding change: c.683G>A on transcript NM_000041.4 (MANE Select); coding-DNA position 683, G replaced by A.
Protein change: p.Trp228Ter; replaces tryptophan 228 with a stop codon.
Molecular consequence: nonsense.
Genome position (GRCh38, 1-based): chr19:44,908,979, G>A. VCF-style: chr19-44908979-G-A. GRCh37 (hg19) VCF-style: chr19-45412236-G-A.
Other names: W210*; apoE-3(Washington); p.Trp228*; c.761G>A, p.Trp254Ter (NM_001302688.2); c.683G>A, p.Trp228Ter (NM_001302689.2, NM_001302690.2, NM_001302691.2); short protein forms W228*, W254*.
Identifiers: ClinVar variation 17862 (VCV000017862.4), dbSNP rs121918396, ClinGen allele CA127510.
Genomic context (GRCh38, chr19:44,908,979, plus strand): 5'-TGCGGGCCGCCACTGTGGGCTCCCTGGCCGGCCAGCCGCTACAGGAGCGGGCCCAGGCCT[G>A]GGGCGAGCGGCTGCGCGCGCGGATGGAGGAGATGGGCAGCCGGACCCGCGACCGCCTGGA-3'

ClinVar aggregate classification (germline): Likely pathogenic. Review status: criteria provided, multiple submitters, no conflicts (2 of 4 stars). 4 submissions from 3 submitters: Likely pathogenic (2). 2 of the submissions do not count toward it. Last evaluated 2025-04-16.

Conditions:
HYPERLIPOPROTEINEMIA, TYPE III, ASSOCIATED WITH APOE3(WASHINGTON).
Familial type 3 hyperlipoproteinemia. Also called: Apolipoprotein e, deficiency or defect of; Dysbetalipoproteinemia due to defect in apolipoprotein e-d; Familial hyperbeta- and prebetalipoproteinemia; Familial hypercholesterolemia with hyperlipemia; Floating-betalipoproteinemia; Hyperlipemia with familial hypercholesterolemic xanthomatosis. Identifiers: Orphanet 412, MedGen C0020479, MONDO:0018473, OMIM 617347.

Allele frequency attached by ClinVar (database versions not stated): gnomAD exomes 0.00002; gnomAD 0.00003 and 0.00004; TOPMed 0.00004.

Submissions (4):

3billion
Classification: Likely pathogenic for Familial type 3 hyperlipoproteinemia. Last evaluated: 2025-04-16. Review status: criteria provided, single submitter. Criteria: ACMG Guidelines, 2015. Collection method: clinical testing. Allele origin: germline. Affected: yes.

Mayo Clinic Laboratories, Mayo Clinic
Classification: Likely pathogenic. Last evaluated: 2023-08-04. Review status: criteria provided, single submitter. Criteria: ACMG Guidelines, 2015. Collection method: clinical testing. Allele origin: germline. Observed: 1 variant allele.
Comment: PM2, PM3_supporting, PVS1

OMIM
Classification: Pathogenic for HYPERLIPOPROTEINEMIA, TYPE III, ASSOCIATED WITH APOE DEFICIENCY. Last evaluated: 1992-11-01. Review status: no assertion criteria provided. Collection method: literature only. Allele origin: germline. Not counted in ClinVar's aggregate classification.

OMIM
Classification: Pathogenic for HYPERLIPOPROTEINEMIA, TYPE III, ASSOCIATED WITH APOE3(WASHINGTON). Last evaluated: 1992-11-01. Review status: no assertion criteria provided. Collection method: literature only. Allele origin: germline. Not counted in ClinVar's aggregate classification.

Literature cited by the submitters: PubMed 1361196 (cited by 3 submitters); PubMed 6795720 (cited by OMIM); PubMed 3029073 (cited by OMIM).